The following is an entry in ClinVar:

NM_031857.2(PCDHA9):c.2290A>C (p.Lys764Gln)

Genes: PCDHA1 (protocadherin alpha 1; plus strand), PCDHA2 (protocadherin alpha 2; plus strand), PCDHA3 (protocadherin alpha 3; plus strand), PCDHA4 (protocadherin alpha 4; plus strand), PCDHA5 (protocadherin alpha 5; plus strand) and 5 more. Cytogenetic location: 5q31.3.
Variant type: single nucleotide variant.
Coding change: c.2290A>C on transcript NM_031857.2 (MANE Select); coding-DNA position 2290, A replaced by C.
Protein change: p.Lys764Gln; replaces lysine 764 with glutamine.
Molecular consequence: missense variant. On other transcripts: intron variant (10).
Genome position (GRCh38, 1-based): chr5:140,850,785, A>C. VCF-style: chr5-140850785-A-C. GRCh37 (hg19) VCF-style: chr5-140230370-A-C.
Other names: c.2290A>C, p.Lys764Gln (NM_014005.5); c.2394+62101A>C (NM_018900.4); c.1602+62893A>C (NM_031411.3); c.2388+53433A>C (NM_018905.3); c.2394+47194A>C (NM_018906.3); c.2385+41213A>C (NM_018907.4); c.2352+26658A>C (NM_018908.3); c.2394+20300A>C (NM_018909.4); and 3 more; short protein forms K764Q.
Identifiers: ClinVar variation 3059871 (VCV003059871.2), dbSNP rs369636, ClinGen allele CA3450766.

ClinVar aggregate classification (germline): Likely benign (0 of 4 stars; one submission).

Conditions:
PCDHA9-related disorder. Also called: PCDHA9-related condition.

Allele frequency attached by ClinVar (database versions not stated): gnomAD 0.65061; gnomAD exomes 0.62047; 1000 Genomes Project 30x 0.63039.
gnomAD v4.1: 994,993 of 1,596,634 alleles (62%); highest among the groups gnomAD compares: African/African-American, 72%; 342,814 homozygotes.

Submission:

PreventionGenetics, part of Exact Sciences
Classification: Likely benign for PCDHA9-related condition. Last evaluated: 2020-09-24. Review status: no assertion criteria provided. Collection method: clinical testing. Allele origin: germline.
Comment: This variant is classified as likely benign based on ACMG/AMP sequence variant interpretation guidelines (Richards et al. 2015 PMID: 25741868, with internal and published modifications).